The following is an entry in ClinVar:

NM_000271.5(NPC1):c.3742_3745del (p.Leu1248fs)

Gene: NPC1 (NPC intracellular cholesterol transporter 1; minus strand). Cytogenetic location: 18q11.2.
Variant type: Deletion.
Coding change: c.3742_3745del on transcript NM_000271.5 (MANE Select); coding-DNA positions 3742 to 3745, 4 bases deleted (CTCA; older notation c.3742_3745delCTCA).
Protein change: p.Leu1248fs; shifts the reading frame from leucine 1248.
Molecular consequence: frameshift variant.
Genome position (GRCh38, 1-based): chr18:23,533,364-23,533,367, TGAG deleted on the plus strand (CTCA on the coding strand, the reverse complement: NPC1 is on the minus strand); deleting any 4 consecutive bases within chr18:23,533,364-23,533,368 gives the same sequence; the c. name uses the placement nearest the transcript's 3' end. VCF-style (leftmost placement, unchanged base first): chr18-23533363-CTGAG-C. GRCh37 (hg19) VCF-style: chr18-21113327-CTGAG-C.
Other names: c.3742_3745del (NM_000271.4); short protein forms L1248fs.
Identifiers: ClinVar variation 487441 (VCV000487441.15), dbSNP rs774943545, ClinGen allele CA8912672.

ClinVar aggregate classification (germline): Pathogenic/Likely pathogenic. Review status: criteria provided, multiple submitters, no conflicts (2 of 4 stars). 7 submissions from 7 submitters: Pathogenic (4); Likely pathogenic (2). 1 of the submissions does not count toward it. Last evaluated 2025-09-08.

Conditions:
Niemann-Pick disease, type C (NPC). Identifiers: Orphanet 646, MedGen C0220756, MONDO:0018982.
Niemann-Pick disease, type C1. Also called: NIEMANN-PICK DISEASE, VARIANT TYPE C1; NEUROVISCERAL STORAGE DISEASE WITH VERTICAL SUPRANUCLEAR OPHTHALMOPLEGIA; NIEMANN-PICK DISEASE WITH CHOLESTEROL ESTERIFICATION BLOCK; NIEMANN-PICK DISEASE WITHOUT SPHINGOMYELINASE DEFICIENCY; NIEMANN-PICK DISEASE, CHRONIC NEURONOPATHIC FORM. Identifiers: Orphanet 646, MedGen C3179455, MONDO:0009757, OMIM 257220.

Submissions (7):

Natera, Inc.
Classification: Pathogenic for Niemann-Pick disease type C1. Last evaluated: 2025-09-08. Review status: criteria provided, single submitter. Criteria: Natera Variant Classification Schema (03/2026). Collection method: clinical testing. Allele origin: germline.
Comment: The c.3742_3745delCTCA variant in NPC1 is a frameshift variant predicted to shift the reading frame beginning at codon 1248 and leads to a stop codon 3 codons downstream. This variant is expected to result in nonsense mediated decay, truncation, or a dysfunctional protein product. This variant is rare in the general population with a frequency below the threshold expected for the associated phenotype(s). This variant has been observed in one or more individuals affected with the associated recessive disease, as either homozygous or compound heterozygous with a second variant (PMID: 31699992). Given the available evidence, this variant is classified as Pathogenic.

Labcorp Genetics (formerly Invitae), Labcorp
Classification: Pathogenic for Niemann-Pick disease, type C1. Last evaluated: 2024-10-15. Review status: criteria provided, single submitter. Criteria: Invitae Variant Classification Sherloc (09022015). Collection method: clinical testing. Allele origin: germline.
Comment: This sequence change creates a premature translational stop signal (p.Leu1248Valfs*3) in the NPC1 gene. While this is not anticipated to result in nonsense mediated decay, it is expected to disrupt the last 31 amino acid(s) of the NPC1 protein. This variant is present in population databases (rs774943545, gnomAD 0.06%). This premature translational stop signal has been observed in individuals with Niemann-Pick type C (PMID: 10521290, 19744920). It has also been observed to segregate with disease in related individuals. This variant is also known as c.3741_3744delACTC. ClinVar contains an entry for this variant (Variation ID: 487441). Experimental studies and prediction algorithms are not available or were not evaluated, and the functional significance of this variant is currently unknown. For these reasons, this variant has been classified as Pathogenic.

GeneDx
Classification: Pathogenic. Last evaluated: 2024-09-12. Review status: criteria provided, single submitter. Criteria: GeneDx Variant Classification Process June 2021. Collection method: clinical testing. Allele origin: germline. Affected: yes.
Comment: Frameshift variant in the C-terminus predicted to result in protein truncation, as the last 31 amino acids are lost and replaced with 2 incorrect amino acids; Also known as c.3741_3744delACTC; This variant is associated with the following publications: (PMID: 34138521, 28082351, 10521290, 19744920, 28193631, 37480097)

Department of Pathology and Laboratory Medicine, Sinai Health System
Classification: Likely pathogenic for Niemann-Pick disease, type C1. Last evaluated: 2023-08-31. Review status: criteria provided, single submitter. Criteria: ACMG Guidelines, 2015. Collection method: research. Allele origin: germline.

Fulgent Genetics
Classification: Likely pathogenic for Niemann-Pick disease, type C1. Last evaluated: 2022-05-14. Review status: criteria provided, single submitter. Criteria: ACMG Guidelines, 2015. Collection method: clinical testing. Allele origin: unknown.

Women's Health and Genetics/Laboratory Corporation of America, LabCorp
Classification: Pathogenic for Niemann-Pick disease, type C. Last evaluated: 2017-07-03. Review status: criteria provided, single submitter. Criteria: LabCorp Variant Classification Summary - May 2015. Collection method: clinical testing. Allele origin: germline.
Comment: Variant summary: The NPC1 c.3742_3745delCTCA (p.Leu1248Valfs) variant (also known as 3741_3744delACTC) results in a premature termination codon, predicted to cause a truncated or absent NPC1 protein due to nonsense mediated decay, which are commonly known mechanisms for disease. This variant was found in 5/121194 control chromosomes from ExAC at a frequency of 0.0000413, which does not exceed the estimated maximal expected allele frequency of a pathogenic NPC1 variant (0.0027735). The variant was detected in at least three patients with NPC. Variant downsteam of this variant c.3744_3747 delCAGT has also been reported in affected individual and listed as "DM-disease mutation" in HGMD, suggesitng this location is a mutation hotspot. Taken together, this variant is classified as pathogenic.

Counsyl
Classification: Likely pathogenic for Niemann-Pick disease, type C1. Last evaluated: 2014-01-02. Review status: no assertion criteria provided. Collection method: clinical testing. Allele origin: unknown. Not counted in ClinVar's aggregate classification.

Literature cited by the submitters: PubMed 31699992 (cited by Natera, Inc.); PubMed 10521290 (cited by 3 submitters); PubMed 19744920 (cited by 3 submitters).